The following is an entry in ClinVar:

NM_213599.3(ANO5):c.1944_1945del (p.Lys650fs)

Gene: ANO5 (anoctamin 5; plus strand). Cytogenetic location: 11p14.3.
Variant type: Deletion.
Coding change: c.1944_1945del on transcript NM_213599.3 (MANE Select); coding-DNA positions 1944 to 1945, 2 bases deleted (TG; older notation c.1944_1945delTG).
Protein change: p.Lys650fs; shifts the reading frame from lysine 650.
Molecular consequence: frameshift variant.
Genome position (GRCh38, 1-based): chr11:22,270,357-22,270,358, TG deleted. VCF-style (leftmost placement, unchanged base first): chr11-22270356-CTG-C. GRCh37 (hg19) VCF-style: chr11-22291902-CTG-C.
Other names: c.1941_1942del, p.Lys649fs (NM_001142649.2); short protein forms K649fs, K650fs.
Identifiers: ClinVar variation 1382777 (VCV001382777.6), dbSNP rs1308707703, ClinGen allele CA597913006.

ClinVar aggregate classification (germline): Pathogenic (1 of 4 stars; one submission).

Conditions:
Autosomal recessive limb-girdle muscular dystrophy type 2L (LGMDR12). Also called: Limb-girdle muscular dystrophy, type 2L; MUSCULAR DYSTROPHY, LIMB-GIRDLE, AUTOSOMAL RECESSIVE 12; Limb-Girdle Muscular Dystrophy R12 Anoctamin-5-Related (LGMD-R12). Identifiers: Orphanet 206549, MedGen C1969785, MONDO:0012652, OMIM 611307.
Gnathodiaphyseal dysplasia (GDD). Also called: GNATHODIAPHYSEAL SCLEROSIS; OSTEOGENESIS IMPERFECTA WITH UNUSUAL SKELETAL LESIONS. Identifiers: Orphanet 53697, MedGen C1833736, MONDO:0008151, OMIM 166260.

Allele frequency attached by ClinVar (database versions not stated): gnomAD 0.00001 and 0.00002; TOPMed 0.00002; gnomAD exomes below 0.00001.

Submission:

Labcorp Genetics (formerly Invitae), Labcorp
Classification: Pathogenic for Autosomal recessive limb-girdle muscular dystrophy type 2L; Gnathodiaphyseal dysplasia. Last evaluated: 2024-09-11. Review status: criteria provided, single submitter. Criteria: Invitae Variant Classification Sherloc (09022015). Collection method: clinical testing. Allele origin: germline.
Comment: This sequence change creates a premature translational stop signal (p.Lys650Alafs*3) in the ANO5 gene. It is expected to result in an absent or disrupted protein product. Loss-of-function variants in ANO5 are known to be pathogenic (PMID: 21186264, 23606453, 25891276, 30919934). This variant is present in population databases (no rsID available, gnomAD 0.007%). This variant has not been reported in the literature in individuals affected with ANO5-related conditions. ClinVar contains an entry for this variant (Variation ID: 1382777). For these reasons, this variant has been classified as Pathogenic.

Literature cited by the submitters: PubMed 21186264; PubMed 23606453; PubMed 25891276; PubMed 30919934.